The following is an entry in ClinVar:

ClinVar aggregate classification (germline): Uncertain significance (1 of 4 stars; one submission).

Allele frequency attached by ClinVar (database versions not stated): gnomAD exomes below 0.00001; gnomAD 0.00001; ExAC 0.00002.

Submission:

GeneDx
Classification: Uncertain significance. Last evaluated: 2023-03-29. Review status: criteria provided, single submitter. Criteria: GeneDx Variant Classification Process June 2021. Collection method: clinical testing. Allele origin: germline. Affected: yes.
Comment: Not observed at significant frequency in large population cohorts (gnomAD); In silico analysis supports that this missense variant does not alter protein structure/function; Has not been previously published as pathogenic or benign to our knowledge

NM_001039141.3(TRIOBP):c.382G>A (p.Glu128Lys)

Gene: TRIOBP (TRIO and F-actin binding protein; plus strand). Cytogenetic location: 22q13.1.
Variant type: single nucleotide variant.
Coding change: c.382G>A on transcript NM_001039141.3 (MANE Select); coding-DNA position 382, G replaced by A.
Protein change: p.Glu128Lys; replaces glutamic acid 128 with lysine.
Molecular consequence: missense variant.
Genome position (GRCh38, 1-based): chr22:37,713,337, G>A. VCF-style: chr22-37713337-G-A. GRCh37 (hg19) VCF-style: chr22-38109344-G-A.
Other names: short protein forms E128K.
Identifiers: ClinVar variation 2582116 (VCV002582116.1), dbSNP rs267606244, ClinGen allele CA10223325.